The following is an entry in ClinVar:

NM_015267.4(CUX2):c.3763G>C (p.Asp1255His)

Gene: CUX2 (cut like homeobox 2; plus strand). Cytogenetic location: 12q24.12.
Variant type: single nucleotide variant.
Coding change: c.3763G>C on transcript NM_015267.4 (MANE Select); coding-DNA position 3763, G replaced by C.
Protein change: p.Asp1255His; replaces aspartic acid 1255 with histidine.
Molecular consequence: missense variant.
Genome position (GRCh38, 1-based): chr12:111,347,627, G>C. VCF-style: chr12-111347627-G-C. GRCh37 (hg19) VCF-style: chr12-111785431-G-C.
Other names: c.3577G>C, p.Asp1193His (NM_001370598.1); short protein forms D1193H, D1255H.
Identifiers: ClinVar variation 2068963 (VCV002068963.1), dbSNP rs1888864736, ClinGen allele CA386721340.

ClinVar aggregate classification (germline): Uncertain significance (1 of 4 stars; one submission).

Submission:

Labcorp Genetics (formerly Invitae), Labcorp
Classification: Uncertain significance. Last evaluated: 2022-03-15. Review status: criteria provided, single submitter. Criteria: Invitae Variant Classification Sherloc (09022015). Collection method: clinical testing. Allele origin: germline.
Comment: This variant has not been reported in the literature in individuals affected with CUX2-related conditions. Algorithms developed to predict the effect of missense changes on protein structure and function are either unavailable or do not agree on the potential impact of this missense change (SIFT: "Not Available"; PolyPhen-2: "Possibly Damaging"; Align-GVGD: "Not Available"). In summary, the available evidence is currently insufficient to determine the role of this variant in disease. Therefore, it has been classified as a Variant of Uncertain Significance.